The following is an entry in ClinVar:

ClinVar aggregate classification (germline): Uncertain significance. Review status: criteria provided, multiple submitters, no conflicts (2 of 4 stars). 2 submissions from 2 submitters: Uncertain significance (2). Last evaluated 2025-09-01.

Conditions:
Inborn genetic diseases. Identifiers: MedGen C0950123, MeSH D030342.

Allele frequency attached by ClinVar (database versions not stated): gnomAD exomes 0.00001; TOPMed 0.00001; ExAC 0.00002; ESP Exome Variant Server 0.00008.
gnomAD v4.1: 18 of 1,606,370 alleles (0.0011%); highest among the groups gnomAD compares: Non-Finnish European, 0.0014%; no homozygotes.

Submissions (2):

Ambry Genetics
Classification: Uncertain significance for Inborn genetic diseases. Last evaluated: 2025-09-01. Review status: criteria provided, single submitter. Criteria: Ambry Variant Classification Scheme 2023. Collection method: clinical testing. Allele origin: germline.

Labcorp Genetics (formerly Invitae), Labcorp
Classification: Uncertain significance. Last evaluated: 2024-10-16. Review status: criteria provided, single submitter. Criteria: Invitae Variant Classification Sherloc (09022015). Collection method: clinical testing. Allele origin: germline.
Comment: This sequence change replaces histidine, which is basic and polar, with arginine, which is basic and polar, at codon 86 of the GPSM2 protein (p.His86Arg). This variant is present in population databases (rs376293534, gnomAD 0.0009%). This variant has not been reported in the literature in individuals affected with GPSM2-related conditions. ClinVar contains an entry for this variant (Variation ID: 1937214). Invitae Evidence Modeling of protein sequence and biophysical properties (such as structural, functional, and spatial information, amino acid conservation, physicochemical variation, residue mobility, and thermodynamic stability) indicates that this missense variant is not expected to disrupt GPSM2 protein function with a negative predictive value of 80%. In summary, the available evidence is currently insufficient to determine the role of this variant in disease. Therefore, it has been classified as a Variant of Uncertain Significance.

NM_013296.5(GPSM2):c.257A>G (p.His86Arg)

Gene: GPSM2 (G protein signaling modulator 2; plus strand). Cytogenetic location: 1p13.3.
Variant type: single nucleotide variant.
Coding change: c.257A>G on transcript NM_013296.5 (MANE Select); coding-DNA position 257, A replaced by G.
Protein change: p.His86Arg; replaces histidine 86 with arginine.
Molecular consequence: missense variant.
Genome position (GRCh38, 1-based): chr1:108,897,064, A>G. VCF-style: chr1-108897064-A-G. GRCh37 (hg19) VCF-style: chr1-109439686-A-G.
Other names: c.257A>G, p.His86Arg (NM_001321038.2, NM_001321039.3); c.257A>G (NM_013296.4); short protein forms H86R.
Identifiers: ClinVar variation 1937214 (VCV001937214.6), dbSNP rs376293534, ClinGen allele CA982751.